The following is an entry in ClinVar:

ClinVar aggregate classification (germline): Pathogenic (1 of 4 stars; one submission).

Conditions:
Primary ciliary dyskinesia. Also called: Ciliary dyskinesia. Identifiers: Orphanet 244, MedGen C0008780, MONDO:0016575, HP:0012265.

Submission:

Labcorp Genetics (formerly Invitae), Labcorp
Classification: Pathogenic for Primary ciliary dyskinesia. Last evaluated: 2023-11-07. Review status: criteria provided, single submitter. Criteria: Invitae Variant Classification Sherloc (09022015). Collection method: clinical testing. Allele origin: germline.
Comment: This sequence change creates a premature translational stop signal (p.Trp415*) in the DNAI2 gene. It is expected to result in an absent or disrupted protein product. Loss-of-function variants in DNAI2 are known to be pathogenic (PMID: 18950741, 23891469). This variant is not present in population databases (gnomAD no frequency). This variant has not been reported in the literature in individuals affected with DNAI2-related conditions. For these reasons, this variant has been classified as Pathogenic.

Literature cited by the submitters: PubMed 18950741; PubMed 23891469.

NM_023036.6(DNAI2):c.1245G>A (p.Trp415Ter)

Gene: DNAI2 (dynein axonemal intermediate chain 2; plus strand). Cytogenetic location: 17q25.1.
Variant type: single nucleotide variant.
Coding change: c.1245G>A on transcript NM_023036.6 (MANE Select); coding-DNA position 1245, G replaced by A.
Protein change: p.Trp415Ter; replaces tryptophan 415 with a stop codon.
Molecular consequence: nonsense. On other transcripts: non-coding transcript variant (1).
Genome position (GRCh38, 1-based): chr17:74,309,286, G>A. VCF-style: chr17-74309286-G-A. GRCh37 (hg19) VCF-style: chr17-72305425-G-A.
Other names: c.1245G>A, p.Trp415Ter (NM_001172810.3, NM_001353167.2); short protein forms W415*.
Identifiers: ClinVar variation 2809630 (VCV002809630.3), dbSNP rs2509762865, ClinGen allele CA400911746.